The following is an entry in ClinVar:

NM_000321.3(RB1):c.1553T>C (p.Leu518Pro)

Gene: RB1 (RB transcriptional corepressor 1; plus strand). Cytogenetic location: 13q14.2.
Variant type: single nucleotide variant.
Coding change: c.1553T>C on transcript NM_000321.3 (MANE Select); coding-DNA position 1553, T replaced by C.
Protein change: p.Leu518Pro; replaces leucine 518 with proline.
Molecular consequence: missense variant.
Genome position (GRCh38, 1-based): chr13:48,381,301, T>C. VCF-style: chr13-48381301-T-C. GRCh37 (hg19) VCF-style: chr13-48955437-T-C.
Other names: c.1553T>C, p.Leu518Pro (NM_001407165.1, NM_001407166.1); short protein forms L518P.
Identifiers: ClinVar variation 2693970 (VCV002693970.5), dbSNP rs2138145083, ClinGen allele CA388163485.

ClinVar aggregate classification (germline): Uncertain significance. Review status: criteria provided, multiple submitters, no conflicts (2 of 4 stars). 2 submissions from 2 submitters: Uncertain significance (2). Last evaluated 2026-07-08.

Conditions:
Retinoblastoma (RB1). Also called: RETINOBLASTOMA, SOMATIC. Identifiers: Orphanet 790, MedGen C0035335, MeSH D012175, MONDO:0008380, OMIM 180200, HP:0009919. Disease mechanism: loss of function. Inheritance: Both sporadic and heritable forms are tested..
Hereditary cancer-predisposing syndrome. Also called: Hereditary neoplastic syndrome; Hereditary Cancer Syndrome; Neoplastic Syndromes, Hereditary; Tumor predisposition. Identifiers: Orphanet 140162, MedGen C0027672, MeSH D009386, MONDO:0015356.

Submissions (2):

Ambry Genetics
Classification: Uncertain significance for Hereditary cancer-predisposing syndrome. Last evaluated: 2026-07-08. Review status: criteria provided, single submitter. Criteria: Ambry Variant Classification Scheme 2023. Collection method: clinical testing. Allele origin: germline.
Comment: The p.L518P variant (also known as c.1553T>C), located in coding exon 17 of the RB1 gene, results from a T to C substitution at nucleotide position 1553. The leucine at codon 518 is replaced by proline, an amino acid with similar properties. This amino acid position is highly conserved in available vertebrate species. In addition, this alteration is predicted to be deleterious by in silico analysis. Based on the available evidence, the clinical significance of this variant remains unclear.

Labcorp Genetics (formerly Invitae), Labcorp
Classification: Uncertain significance for Retinoblastoma. Last evaluated: 2023-11-07. Review status: criteria provided, single submitter. Criteria: Invitae Variant Classification Sherloc (09022015). Collection method: clinical testing. Allele origin: germline.
Comment: This sequence change replaces leucine, which is neutral and non-polar, with proline, which is neutral and non-polar, at codon 518 of the RB1 protein (p.Leu518Pro). This variant is not present in population databases (gnomAD no frequency). This variant has not been reported in the literature in individuals affected with RB1-related conditions. Advanced modeling of protein sequence and biophysical properties (such as structural, functional, and spatial information, amino acid conservation, physicochemical variation, residue mobility, and thermodynamic stability) has been performed at Invitae for this missense variant, however the output from this modeling did not meet the statistical confidence thresholds required to predict the impact of this variant on RB1 protein function. In summary, the available evidence is currently insufficient to determine the role of this variant in disease. Therefore, it has been classified as a Variant of Uncertain Significance.